The following is an entry in ClinVar:

NM_000888.5(ITGB6):c.319C>T (p.Gln107Ter)

Gene: ITGB6 (integrin subunit beta 6; minus strand). Cytogenetic location: 2q24.2.
Variant type: single nucleotide variant.
Coding change: c.319C>T on transcript NM_000888.5 (MANE Select); coding-DNA position 319, C replaced by T.
Protein change: p.Gln107Ter; replaces glutamine 107 with a stop codon.
Molecular consequence: nonsense. On other transcripts: intron variant (3).
Genome position (GRCh38, 1-based): chr2:160,196,243, G>A on the plus strand (C>T on the coding strand, the complement: ITGB6 is on the minus strand). VCF-style: chr2-160196243-G-A. GRCh37 (hg19) VCF-style: chr2-161052754-G-A.
Other names: c.319C>T, p.Gln107Ter (NM_001282353.2, NM_001282355.2); c.193C>T, p.Gln65Ter (NM_001282388.2); c.62-628C>T (NM_001282354.2); c.-69+146C>T (NM_001282390.2); c.127+146C>T (NM_001282389.2); short protein forms Q107*, Q65*.
Identifiers: ClinVar variation 4281702 (VCV004281702.1).

ClinVar aggregate classification (germline): Uncertain significance (1 of 4 stars; one submission).

gnomAD v4.1: 47 of 1,613,832 alleles (0.0029%); highest among the groups gnomAD compares: Non-Finnish European, 0.0036%; no homozygotes.

Submission:

GeneDx
Classification: Uncertain significance. Last evaluated: 2025-04-07. Review status: criteria provided, single submitter. Criteria: GeneDx Variant Classification Process June 2021. Collection method: clinical testing. Allele origin: germline. Affected: yes.
Comment: Nonsense variant predicted to result in protein truncation or nonsense mediated decay in a gene or region of a gene for which loss of function is not a well-established mechanism of disease; Has not been previously published as pathogenic or benign to our knowledge